The following is an entry in ClinVar:

ClinVar aggregate classification (germline): Uncertain significance. Review status: criteria provided, multiple submitters, no conflicts (2 of 4 stars). 3 submissions from 3 submitters: Uncertain significance (3). Last evaluated 2024-03-15.

Conditions:
Autosomal recessive limb-girdle muscular dystrophy type 2Q (LGMDR17). Also called: MUSCULAR DYSTROPHY, LIMB-GIRDLE, AUTOSOMAL RECESSIVE 17. Identifiers: Orphanet 254361, MedGen C3150989, MONDO:0013390, OMIM 613723.
Epidermolysis bullosa simplex with nail dystrophy (EBS5D). Identifiers: MedGen C4225309, MONDO:0014661, OMIM 616487.
Epidermolysis bullosa simplex, Ogna type (EBS5A). Also called: Pidermolysis bullosa simplex 5A, Ogna type; EPIDERMOLYSIS BULLOSA SIMPLEX 5A, OGNA TYPE. Identifiers: Orphanet 79401, MedGen C0432317, MONDO:0007555, OMIM 131950.
Epidermolysis bullosa simplex 5B, with muscular dystrophy (EBS5B). Also called: EPIDERMOLYSIS BULLOSA SIMPLEX AND LIMB-GIRDLE MUSCULAR DYSTROPHY; Epidermolysis bullosa simplex with muscular dystrophy. Identifiers: Orphanet 257, MedGen C2931072, MONDO:0009181, OMIM 226670.
Epidermolysis bullosa simplex 5C, with pyloric atresia (EBS5C). Also called: PLEC-Related Epidermolysis Bullosa with Pyloric Atresia; Epidermolysis bullosa simplex with pyloric atresia; PLEC1-Related Epidermolysis Bullosa with Pyloric Atresia. Identifiers: Orphanet 158684, MedGen C2677349, MONDO:0012807, OMIM 612138.

Allele frequency attached by ClinVar (database versions not stated): TOPMed below 0.00001; gnomAD exomes 0.00001.
gnomAD v4.1: 12 of 1,612,348 alleles (0.00074%); highest among the groups gnomAD compares: Non-Finnish European, 0.00093%; no homozygotes.

Submissions (3):

Blueprint Genetics
Classification: Uncertain significance. Last evaluated: 2024-03-15. Review status: criteria provided, single submitter. Criteria: ACMG Guidelines, 2015. Collection method: clinical testing. Allele origin: germline.

Labcorp Genetics (formerly Invitae), Labcorp
Classification: Uncertain significance for Autosomal recessive limb-girdle muscular dystrophy type 2Q; Epidermolysis bullosa simplex, Ogna type; Epidermolysis bullosa simplex with nail dystrophy; Epidermolysis bullosa simplex 5C, with pyloric atresia; Epidermolysis bullosa simplex 5B, with muscular dystrophy. Last evaluated: 2020-03-19. Review status: criteria provided, single submitter. Criteria: Invitae Variant Classification Sherloc (09022015). Collection method: clinical testing. Allele origin: germline.
Comment: In summary, the available evidence is currently insufficient to determine the role of this variant in disease. Therefore, it has been classified as a Variant of Uncertain Significance. Algorithms developed to predict the effect of missense changes on protein structure and function are either unavailable or do not agree on the potential impact of this missense change (SIFT: "Deleterious"; PolyPhen-2: "Not Available"; Align-GVGD: "Class C0"). This variant has not been reported in the literature in individuals with PLEC-related conditions. This variant is not present in population databases (ExAC no frequency). This sequence change replaces valine with alanine at codon 299 of the PLEC protein (p.Val299Ala). The valine residue is highly conserved and there is a small physicochemical difference between valine and alanine.

Institute of Human Genetics, University of Leipzig Medical Center
Classification: Uncertain significance for Epidermolysis bullosa simplex 5B, with muscular dystrophy. Last evaluated: 2019-01-01. Review status: criteria provided, single submitter. Criteria: ACMG Guidelines, 2015. Collection method: clinical testing. Allele origin: unknown. Affected: yes.
Comment: This variant was identified as compound heterozygous.

NM_201384.3(PLEC):c.815T>C (p.Val272Ala)

Gene: PLEC (plectin; minus strand). Cytogenetic location: 8q24.3.
Variant type: single nucleotide variant.
Coding change: c.815T>C on transcript NM_201384.3 (MANE Select); coding-DNA position 815, T replaced by C.
Protein change: p.Val272Ala; replaces valine 272 with alanine.
Molecular consequence: missense variant.
Genome position (GRCh38, 1-based): chr8:143,935,021, A>G on the plus strand (T>C on the coding strand, the complement: PLEC is on the minus strand). VCF-style: chr8-143935021-A-G. GRCh37 (hg19) VCF-style: chr8-145009189-A-G.
Other names: c.896T>C, p.Val299Ala (NM_000445.5); c.773T>C, p.Val258Ala (NM_201378.4); c.749T>C, p.Val250Ala (NM_201379.3); c.1226T>C, p.Val409Ala (NM_201380.4); c.719T>C, p.Val240Ala (NM_201381.3); c.815T>C, p.Val272Ala (NM_201382.4); c.827T>C, p.Val276Ala (NM_201383.3); short protein forms V240A, V250A, V258A, V272A, V276A, V299A, V409A.
Identifiers: ClinVar variation 983098 (VCV000983098.7), dbSNP rs1554721734, ClinGen allele CA372586946.
Genomic context (GRCh38, chr8:143,935,021, plus strand): 5'-CGTCGGGGCGTCCAGGCCCAAGCCCCCTGCCCTCCGGGCCCCCCACTCACGTTGGCCCTC[A>G]CCCCATCCTGCACGTCCGGCACGCGGGGCATGGCGTCATACAGCGACGAGACGTAGGTGA-3'
Protein context (NP_958786.1, residues 262-282): MPRVPDVQDG[Val272Ala]RANELQLRWQ